The following is an entry in ClinVar:

ClinVar aggregate classification (germline): Uncertain significance (0 of 4 stars; one submission).

Conditions:
Autism (AUTS). Also called: Autistic disorder of childhood onset; Autistic disorder. Identifiers: MedGen C0004352, MeSH D001321, MONDO:0005260, OMIM 209850, HP:0000717.

gnomAD v4.1: 2 of 456,890 alleles (0.00044%); highest among the groups gnomAD compares: South Asian, 0.0031%; no homozygotes.

Submission:

Centre for Addiction & Mental Health
Classification: Uncertain significance for Autism. Review status: no assertion criteria provided. Collection method: research. Allele origin: biparental. Affected: yes. Observed: 1 homozygote. Segregation with disease observed.
Comment: Gene not previously associated with disease; independent supportng evidence needed

NM_018075.5(ANO10):c.1669-1730G>T

Gene: ANO10 (anoctamin 10; minus strand). Cytogenetic location: 3p22.1.
Variant type: single nucleotide variant.
Coding change: c.1669-1730G>T on transcript NM_018075.5 (MANE Select); 1730 bases into the intron before coding-DNA position 1669, G replaced by T.
Molecular consequence: intron variant. On other transcripts: missense variant (3).
Genome position (GRCh38, 1-based): chr3:43,551,578, C>A on the plus strand (G>T on the coding strand, the complement: ANO10 is on the minus strand). VCF-style: chr3-43551578-C-A. GRCh37 (hg19) VCF-style: chr3-43593070-C-A.
Other names: c.1679G>T, p.Cys560Phe (NM_001346463.2, NM_001346464.2, NM_001346467.2); c.1471-1730G>T (NM_001346469.2, NM_001204832.3, NM_001346466.2); c.1669-1730G>T (NM_001346468.2, NM_001346465.2, NM_001204831.3); c.1336-1730G>T (NM_001204833.3); c.1099-1730G>T (NM_001204834.3); short protein forms C560F.
Identifiers: ClinVar variation 3338186 (VCV003338186.2).